The following is an entry in ClinVar:

ClinVar aggregate classification (germline): Benign (1 of 4 stars; one submission).

Allele frequency attached by ClinVar (database versions not stated): 1000 Genomes Project 0.00100; TOPMed 0.00280; gnomAD 0.00333.
gnomAD v4.1: 500 of 152,142 alleles (0.33%); highest among the groups gnomAD compares: Non-Finnish European, 0.62%; 2 homozygotes.

Submission:

CeGaT Center for Human Genetics Tuebingen
Classification: Benign. Last evaluated: 2022-10-01. Review status: criteria provided, single submitter. Criteria: CeGaT Center For Human Genetics Tuebingen Variant Classification Criteria Version 2. Collection method: clinical testing. Allele origin: germline. Affected: yes. Observed: 1 variant allele.
Comment: PDE3A: BS1, BS2

NM_000921.5(PDE3A):c.3185-1606G>A

Gene: PDE3A (phosphodiesterase 3A; plus strand). Cytogenetic location: 12p12.2.
Variant type: single nucleotide variant.
Coding change: c.3185-1606G>A on transcript NM_000921.5 (MANE Select); 1606 bases into the intron before coding-DNA position 3185, G replaced by A.
Molecular consequence: intron variant. On other transcripts: missense variant (1).
Genome position (GRCh38, 1-based): chr12:20,678,424, G>A. VCF-style: chr12-20678424-G-A. GRCh37 (hg19) VCF-style: chr12-20831358-G-A.
Other names: c.2249G>A, p.Arg750His (NM_001378408.1); c.2879-1606G>A (NM_001378407.1); c.2219-1606G>A (NM_001244683.2); short protein forms R750H.
Identifiers: ClinVar variation 2642773 (VCV002642773.24), dbSNP rs116931325, ClinGen allele CA233471291.